The following is an entry in ClinVar:

ClinVar aggregate classification (germline): Uncertain significance (1 of 4 stars; one submission).

Conditions:
Distal hereditary motor neuropathy type 2. Identifiers: Orphanet 139525, MedGen C3711384, MeSH C580044, MONDO:0015352.

Allele frequency attached by ClinVar (database versions not stated): gnomAD 0.00001; TOPMed 0.00001; gnomAD exomes 0.00003.
gnomAD v4.1: 50 of 1,613,710 alleles (0.0031%); highest among the groups gnomAD compares: Non-Finnish European, 0.0041%; no homozygotes.

Submission:

Labcorp Genetics (formerly Invitae), Labcorp
Classification: Uncertain significance for Distal hereditary motor neuropathy type 2. Last evaluated: 2025-05-22. Review status: criteria provided, single submitter. Criteria: Invitae Variant Classification Sherloc (09022015). Collection method: clinical testing. Allele origin: germline.
Comment: This sequence change replaces serine, which is neutral and polar, with tyrosine, which is neutral and polar, at codon 829 of the FBXO38 protein (p.Ser829Tyr). The frequency data for this variant in the population databases is considered unreliable, as metrics indicate poor data quality at this position in the gnomAD database. This variant has not been reported in the literature in individuals affected with FBXO38-related conditions. ClinVar contains an entry for this variant (Variation ID: 1447239). An algorithm developed to predict the effect of missense changes on protein structure and function (PolyPhen-2) suggests that this variant is likely to be disruptive. In summary, the available evidence is currently insufficient to determine the role of this variant in disease. Therefore, it has been classified as a Variant of Uncertain Significance.

NM_205836.3(FBXO38):c.2711C>A (p.Ser904Tyr)

Gene: FBXO38 (F-box protein 38; plus strand). Cytogenetic location: 5q32.
Variant type: single nucleotide variant.
Coding change: c.2711C>A on transcript NM_205836.3 (MANE Select); coding-DNA position 2711, C replaced by A.
Protein change: p.Ser904Tyr; replaces serine 904 with tyrosine.
Molecular consequence: missense variant.
Genome position (GRCh38, 1-based): chr5:148,433,481, C>A. VCF-style: chr5-148433481-C-A. GRCh37 (hg19) VCF-style: chr5-147813044-C-A.
Other names: c.1976C>A, p.Ser659Tyr (NM_001271723.2); c.2486C>A, p.Ser829Tyr (NM_030793.5); short protein forms S659Y, S904Y, S829Y.
Identifiers: ClinVar variation 1447239 (VCV001447239.6), dbSNP rs1014349605, ClinGen allele CA128952928.